The following is an entry in ClinVar:

ClinVar aggregate classification (germline): Pathogenic (1 of 4 stars; one submission).

Conditions:
Mucopolysaccharidosis, MPS-II (MPS2). Also called: Hunter Syndrome; IDURONATE 2-SULFATASE DEFICIENCY; Mucopolysaccharidosis Type II; Mucopolysaccharidosis type 2; Attenuated MPS (subtype; formerly known as mild MPS II); Severe MPS II. Identifiers: Orphanet 580, Orphanet 79388, MedGen C0026705, MONDO:0010674, OMIM 309900.

Submission:

Laboratory of Diagnosis and Therapy of Lysosomal Disorders, University of Padova
Classification: Pathogenic for Mucopolysaccharidosis, MPS-II. Last evaluated: 2024-06-07. Review status: criteria provided, single submitter. Criteria: ACMG Guidelines, 2015. Collection method: literature only. Allele origin: germline. Affected: yes. Observed: 1 variant allele.
Comment: Null variant (PVS1_Strong), Absent from controls (or at low frequency) in gnomAD database (PM2_Moderate), Patient’s phenotype or family history highly specific for the disease (PP4_Strong)

Classification method: ACMG Guidelines [PMID:25741868] with modifications

Literature cited by the submitters: PubMed 9875019.

NM_000202.8(IDS):c.1576del (p.Asp526fs)

Gene: IDS (iduronate 2-sulfatase; minus strand). Cytogenetic location: Xq28.
Variant type: Deletion.
Coding change: c.1576del on transcript NM_000202.8 (MANE Select); coding-DNA position 1576, one base deleted (G; older notation c.1576delG).
Protein change: p.Asp526fs; shifts the reading frame from aspartic acid 526.
Molecular consequence: frameshift variant.
Genome position (GRCh38, 1-based): chrX:149,482,823, C deleted on the plus strand (G on the coding strand, the reverse complement: IDS is on the minus strand); the first of 2 consecutive C bases (chrX:149,482,823-149,482,824); deleting either gives the same sequence. VCF-style (leftmost placement, unchanged base first): chrX-149482822-TC-T. GRCh37 (hg19) VCF-style: chrX-148564353-TC-T.
Other names: c.1306del, p.Asp436fs (NM_001166550.4); short protein forms D436fs, D526fs.
Identifiers: ClinVar variation 3256089 (VCV003256089.2).